The following is an entry in ClinVar:

ClinVar aggregate classification (germline): Likely pathogenic (1 of 4 stars; one submission).

Conditions:
Wiedemann-Steiner syndrome (WDSTS). Also called: Growth deficiency and mental retardation with facial dysmorphism. Identifiers: Orphanet 319182, MedGen C1854630, MONDO:0011518, OMIM 605130.

Submission:

Genomic Research Center, Shahid Beheshti University of Medical Sciences
Classification: Likely pathogenic for Wiedemann-Steiner syndrome. Last evaluated: 2025-10-25. Review status: criteria provided, single submitter. Criteria: ACMG Guidelines, 2015. Collection method: clinical testing. Allele origin: de novo. Inheritance: Autosomal dominant inheritance. Affected: yes. Observed: 1 heterozygote.
Comment: The Cys1173Ser variant is located in a mutational hot spot and/or a critical, well-established functional domain of the KMT2A gene. It has an extremely low frequency in population databases such as gnomAD. Multiple in silico prediction tools consistently support a deleterious effect on protein function. Heterozygous variants in KMT2A are known to be associated with Wiedemann-Steiner Syndrome.

NM_001197104.2(KMT2A):c.3517T>A (p.Cys1173Ser)

Gene: KMT2A (lysine methyltransferase 2A; plus strand). Cytogenetic location: 11q23.3.
Variant type: single nucleotide variant.
Coding change: c.3517T>A on transcript NM_001197104.2 (MANE Select); coding-DNA position 3517, T replaced by A.
Protein change: p.Cys1173Ser; replaces cysteine 1173 with serine.
Molecular consequence: missense variant.
Genome position (GRCh38, 1-based): chr11:118,478,149, T>A. VCF-style: chr11-118478149-T-A. GRCh37 (hg19) VCF-style: chr11-118348864-T-A.
Other names: c.3616T>A, p.Cys1206Ser (NM_001412597.1); c.3517T>A, p.Cys1173Ser (NM_005933.4); short protein forms C1173S, C1206S.
Identifiers: ClinVar variation 4526592 (VCV004526592.1).